The following is an entry in ClinVar:

NM_016122.3(CEP83):c.24T>C (p.Asp8=)

Gene: CEP83 (centrosomal protein 83; minus strand). Cytogenetic location: 12q22.
Variant type: single nucleotide variant.
Coding change: c.24T>C on transcript NM_016122.3 (MANE Select); coding-DNA position 24, T replaced by C.
Protein change: p.Asp8=; no amino-acid change (aspartic acid 8 retained).
Molecular consequence: synonymous variant. On other transcripts: non-coding transcript variant (1), intron variant (6).
Genome position (GRCh38, 1-based): chr12:94,412,467, A>G on the plus strand (T>C on the coding strand, the complement: CEP83 is on the minus strand). VCF-style: chr12-94412467-A-G. GRCh37 (hg19) VCF-style: chr12-94806243-A-G.
Other names: c.24T>C, p.Asp8= (NM_001042399.2, NM_001346457.2, NM_001346460.2 and 4 more transcripts); c.-140+50T>C (NM_001346459.2, NM_001346458.2, NM_001368040.1 and 3 more transcripts); c.24T>C (NM_016122.2).
Identifiers: ClinVar variation 1570930 (VCV001570930.10), dbSNP rs371676456, ClinGen allele CA6722052.

ClinVar aggregate classification (germline): Likely benign. Review status: criteria provided, single submitter (1 of 4 stars). 2 submissions from 2 submitters: Likely benign (1). 1 of the submissions does not count toward it. Last evaluated 2024-11-05.

Conditions:
CEP83-related disorder. Also called: CEP83-related condition.
Nephronophthisis 18 (NPHP18). Identifiers: Orphanet 655, MedGen C3890591, MONDO:0014374, OMIM 615862.

Allele frequency attached by ClinVar (database versions not stated): gnomAD exomes below 0.00001; ExAC 0.00001; gnomAD 0.00004; TOPMed 0.00005; ESP Exome Variant Server 0.00008.
gnomAD v4.1: 9 of 1,612,604 alleles (0.00056%); highest among the groups gnomAD compares: African/African-American, 0.0013%; no homozygotes.

Submissions (2):

Labcorp Genetics (formerly Invitae), Labcorp
Classification: Likely benign for Nephronophthisis 18. Last evaluated: 2024-11-05. Review status: criteria provided, single submitter. Criteria: Invitae Variant Classification Sherloc (09022015). Collection method: clinical testing. Allele origin: germline.

PreventionGenetics, part of Exact Sciences
Classification: Likely benign for CEP83-related condition. Last evaluated: 2019-08-13. Review status: no assertion criteria provided. Collection method: clinical testing. Allele origin: germline. Not counted in ClinVar's aggregate classification.
Comment: This variant is classified as likely benign based on ACMG/AMP sequence variant interpretation guidelines (Richards et al. 2015 PMID: 25741868, with internal and published modifications).